The following is an entry in ClinVar:

ClinVar aggregate classification (germline): Benign (1 of 4 stars; one submission).

Allele frequency attached by ClinVar (database versions not stated): gnomAD 0.13445; TOPMed 0.14356; 1000 Genomes Project 0.19129; 1000 Genomes Project 30x 0.19238.
gnomAD v4.1: 20,293 of 152,168 alleles (13%); highest among the groups gnomAD compares: African/African-American, 33%; 2,673 homozygotes.

Submission:

GeneDx
Classification: Benign. Last evaluated: 2018-06-16. Review status: criteria provided, single submitter. Criteria: GeneDx Variant Classification (06012015). Collection method: clinical testing. Allele origin: germline. Affected: yes.
Comment: This variant is considered likely benign or benign based on one or more of the following criteria: it is a conservative change, it occurs at a poorly conserved position in the protein, it is predicted to be benign by multiple in silico algorithms, and/or has population frequency not consistent with disease.

NM_182961.4(SYNE1):c.8652+230G>A

Gene: SYNE1 (spectrin repeat containing nuclear envelope protein 1; minus strand). Cytogenetic location: 6q25.2.
Variant type: single nucleotide variant.
Coding change: c.8652+230G>A on transcript NM_182961.4 (MANE Select); 230 bases into the intron after coding-DNA position 8652, G replaced by A.
Molecular consequence: intron variant.
Genome position (GRCh38, 1-based): chr6:152,385,444, C>T on the plus strand (G>A on the coding strand, the complement: SYNE1 is on the minus strand). VCF-style: chr6-152385444-C-T. GRCh37 (hg19) VCF-style: chr6-152706579-C-T.
Other names: c.8673+230G>A (NM_033071.5).
Identifiers: ClinVar variation 672538 (VCV000672538.1), dbSNP rs77249508, ClinGen allele CA12308873.
Genomic context (GRCh38, chr6:152,385,444, plus strand): 5'-AGTATCTGGTTTTGTCAGCCCACCAAATTAGCCATTTCCTAGCCTGTCATATTACGGCAA[C>T]AAGCACATTTGCATACAGAAATGTAAAGACAATGTTACATTGTGCTCATAAGTGTAAAGT-3'